The following is an entry in ClinVar:

NM_138694.4(PKHD1):c.9080G>T (p.Gly3027Val)

Gene: PKHD1 (PKHD1 ciliary IPT domain containing fibrocystin/polyductin; minus strand). Cytogenetic location: 6p12.3.
Variant type: single nucleotide variant.
Coding change: c.9080G>T on transcript NM_138694.4 (MANE Select); coding-DNA position 9080, G replaced by T.
Protein change: p.Gly3027Val; replaces glycine 3027 with valine.
Molecular consequence: missense variant.
Genome position (GRCh38, 1-based): chr6:51,748,536, C>A on the plus strand (G>T on the coding strand, the complement: PKHD1 is on the minus strand). VCF-style: chr6-51748536-C-A. GRCh37 (hg19) VCF-style: chr6-51613334-C-A.
Other names: c.9080G>T, p.Gly3027Val (NM_170724.3); short protein forms G3027V.
Identifiers: ClinVar variation 3899349 (VCV003899349.2).
Genomic context (GRCh38, chr6:51,748,536, plus strand): 5'-GCTGTGCCAAACACAATATTGTCATTTAAAAGTACTCCATGACTGGCAGCTGCATGAATG[C>A]CCCCGCCACAGCTCTGGTGCAGAGTAGATGATATGATCCAGGATCCTGCTGACACATTAC-3'
Protein context (NP_619639.3, residues 3017-3037): SSTLHQSCGG[Gly3027Val]IHAAASHGVL

ClinVar aggregate classification (germline): Uncertain significance (1 of 4 stars; one submission).

Conditions:
Polycystic kidney disease 4 (PKD4). Also called: POLYCYSTIC KIDNEY DISEASE 4 WITH OR WITHOUT POLYCYSTIC LIVER DISEASE; Autosomal Recessive Polycystic Kidney Disease – PKHD1; POLYCYSTIC KIDNEY AND HEPATIC DISEASE 1; POLYCYSTIC KIDNEY DISEASE, INFANTILE, TYPE I; PKD3. Identifiers: MedGen C4540575, MONDO:0033004, OMIM 263200.

Submission:

Juno Genomics, Hangzhou Juno Genomics, Inc
Classification: Uncertain significance for Polycystic kidney disease 4. Review status: criteria provided, single submitter. Criteria: ACMG Guidelines, 2015. Collection method: clinical testing. Allele origin: germline. Affected: yes.
Comment: Absent from controls (or at extremely low frequency if recessive) in Genome Aggregation Database, Exome Sequencing Project, 1000 Genomes Project, or Exome Aggregation Consortium.;Multiple lines of computational evidence support a deleterious effect on the gene or gene product (conservation, evolutionary, splicing impact, etc).;Patient's phenotype or family history is highly specific for a disease with a single genetic etiology.